The following is an entry in ClinVar:

NM_001130823.3(DNMT1):c.3156C>T (p.His1052=)

Gene: DNMT1 (DNA methyltransferase 1; minus strand). Cytogenetic location: 19p13.2.
Variant type: single nucleotide variant.
Coding change: c.3156C>T on transcript NM_001130823.3 (MANE Select); coding-DNA position 3156, C replaced by T.
Protein change: p.His1052=; no amino-acid change (histidine 1052 retained).
Molecular consequence: synonymous variant.
Genome position (GRCh38, 1-based): chr19:10,142,181, G>A on the plus strand (C>T on the coding strand, the complement: DNMT1 is on the minus strand). VCF-style: chr19-10142181-G-A. GRCh37 (hg19) VCF-style: chr19-10252857-G-A.
Other names: p.His1052=; c.3108C>T, p.His1036= (NM_001318730.2, NM_001379.4); c.2793C>T, p.His931= (NM_001318731.2); c.3156C>T (LRG_362t1, NM_001130823.2).
Identifiers: ClinVar variation 196614 (VCV000196614.24), dbSNP rs141856197, ClinGen allele CA243636.

ClinVar aggregate classification (germline): Conflicting classifications of pathogenicity. Review status: criteria provided, conflicting classifications (1 of 4 stars). 5 submissions from 5 submitters: Uncertain significance (1); Likely benign (4). Last evaluated 2025-08-07.

Conditions:
DNMT1-related disorder. Also called: DNMT1-related condition. Identifiers: MedGen CN381527.
Hereditary sensory neuropathy-deafness-dementia syndrome. Also called: HSN IE; Hereditary sensory neuropathy type IE; NEUROPATHY, HEREDITARY SENSORY, WITH HEARING LOSS AND DEMENTIA; Hereditary Sensory and Autonomic Neuropathy Type 1E (HSAN1E). Identifiers: Orphanet 456318, MedGen C3279885, MONDO:0013584, OMIM 614116.

Allele frequency attached by ClinVar (database versions not stated): gnomAD 0.00004; TOPMed 0.00006; ExAC 0.00007; gnomAD exomes 0.00008 and 0.00012; ESP Exome Variant Server 0.00031.
gnomAD v4.1: 180 of 1,613,938 alleles (0.011%); highest among the groups gnomAD compares: Non-Finnish European, 0.014%; no homozygotes.

Submissions (5):

Mayo Clinic Laboratories, Mayo Clinic
Classification: Likely benign. Last evaluated: 2025-08-07. Review status: criteria provided, single submitter. Criteria: ACMG Guidelines, 2015. Collection method: clinical testing. Allele origin: germline. Observed: 1 variant allele.
Comment: BP4, BP7

Labcorp Genetics (formerly Invitae), Labcorp
Classification: Likely benign for Hereditary sensory neuropathy-deafness-dementia syndrome. Last evaluated: 2025-07-31. Review status: criteria provided, single submitter. Criteria: Invitae Variant Classification Sherloc (09022015). Collection method: clinical testing. Allele origin: germline.

CeGaT Center for Human Genetics Tuebingen
Classification: Likely benign. Last evaluated: 2025-07-01. Review status: criteria provided, single submitter. Criteria: CeGaT Center For Human Genetics Tuebingen Variant Classification Criteria Version 2. Collection method: clinical testing. Allele origin: germline. Affected: yes. Observed: 1 variant allele.
Comment: DNMT1: BP4, BP7

PreventionGenetics, part of Exact Sciences
Classification: Likely benign for DNMT1-related condition. Last evaluated: 2025-06-17. Review status: criteria provided, single submitter. Criteria: ACMG Guidelines, 2015. Collection method: clinical testing. Allele origin: germline.
Comment: This variant is classified as likely benign based on ACMG/AMP sequence variant interpretation guidelines (Richards et al. 2015 PMID: 25741868, with internal and published modifications).

Eurofins Ntd Llc (ga)
Classification: Uncertain significance. Last evaluated: 2015-01-20. Review status: criteria provided, single submitter. Criteria: EGL Classification Definitions 2015. Collection method: clinical testing. Allele origin: germline. Observed: 1 variant allele, 1 heterozygote.